The following is an entry in ClinVar:

NM_001034853.2(RPGR):c.222C>T (p.Ala74=)

Gene: RPGR (retinitis pigmentosa GTPase regulator; minus strand). Cytogenetic location: Xp11.4.
Variant type: single nucleotide variant.
Coding change: c.222C>T on transcript NM_001034853.2 (MANE Select); coding-DNA position 222, C replaced by T.
Protein change: p.Ala74=; no amino-acid change (alanine 74 retained).
Molecular consequence: synonymous variant. On other transcripts: non-coding transcript variant (6).
Genome position (GRCh38, 1-based): chrX:38,322,878, G>A on the plus strand (C>T on the coding strand, the complement: RPGR is on the minus strand). VCF-style: chrX-38322878-G-A. GRCh37 (hg19) VCF-style: chrX-38182131-G-A.
Other names: NM_001034853.2(RPGR):c.222C>T; p.Ala74=; c.222C>T, p.Ala74= (NM_000328.3, NM_001367245.1, NM_001367246.1 and 4 more transcripts); c.252C>T, p.Ala84= (NM_001367248.1).
Identifiers: ClinVar variation 454515 (VCV000454515.21), dbSNP rs143521661, ClinGen allele CA10385710.

ClinVar aggregate classification (germline): Benign. Review status: reviewed by expert panel (3 of 4 stars). 7 submissions from 7 submitters: Benign (1). 6 of the submissions do not count toward it. Last evaluated 2026-11-20.

Conditions:
RPGR-related retinopathy. Also called: RPGR retinopathy. Identifiers: MedGen CN305589, MONDO:0100437.
Primary ciliary dyskinesia. Also called: Ciliary dyskinesia. Identifiers: Orphanet 244, MedGen C0008780, MONDO:0016575, HP:0012265.

Allele frequency attached by ClinVar (database versions not stated): TOPMed 0.00031; gnomAD 0.00045 and 0.00046; ESP Exome Variant Server 0.00057; gnomAD exomes 0.00060 and 0.00066; ExAC 0.00095.
gnomAD v4.1: 725 of 1,208,370 alleles (0.06%); highest among the groups gnomAD compares: Middle Eastern, 0.18%; no homozygotes.

Submissions (7):

ClinGen X-linked Inherited Retinal Disease Variant Curation Expert Panel, ClinGen
Classification: Benign for RPGR-related retinopathy. Last evaluated: 2026-11-20. Review status: reviewed by expert panel. Criteria: ClinGen X LinkedIRD ACMG Specifications RPGR V1.0.0. Collection method: curation. Allele origin: germline. Inheritance: X-linked inheritance.
Comment: NM_001034853.2(RPGR):c.222C>T (p.Ala74=) is a synonymous variant in RPGR. This variant is present in gnomAD v.4.1.2 at a frequency of 0.0006337 among hemizygous individuals, with 251 variant alleles /396106 total hemizygous alleles, which is higher than the ClinGen X-linked IRD VCEP BA1 threshold of >0.00005 (BA1). The splicing impact predictor SpliceAI gives a delta score of 0.00, which is below the ClinGen X-linked IRD VCEP recommended threshold of <0.1 and does not strongly predict an impact on splicing (BP4). This silent variant NM_001034853.2(RPGR):c.222C>T, causing a synonymous variant at codon 74, does not have an impact on splicing sites according to Splice AI, which predicts a delta score of 0.00 for all splicing types, which is below the ClinGen X-linked IRD VCEP recommended threshold of <0.1 and does not strongly predict an impact on splicing (BP7). In summary, this variant is classified as benign for RPGR-related retinopathy based on the ACMG/AMP criteria applied, as specified by the ClinGen X-linked IRD VCEP: BA1, BP4, and BP7.

Labcorp Genetics (formerly Invitae), Labcorp
Classification: Benign for Primary ciliary dyskinesia. Last evaluated: 2026-02-03. Review status: criteria provided, single submitter. Criteria: Invitae Variant Classification Sherloc (09022015). Collection method: clinical testing. Allele origin: germline. Not counted in ClinVar's aggregate classification.

Blueprint Genetics
Classification: Likely benign. Last evaluated: 2024-11-26. Review status: criteria provided, single submitter. Criteria: ACMG Guidelines, 2015. Collection method: clinical testing. Allele origin: germline. Not counted in ClinVar's aggregate classification.

PreventionGenetics, part of Exact Sciences
Classification: Likely benign. Last evaluated: 2018-09-20. Review status: criteria provided, single submitter. Criteria: ACMG Guidelines, 2015. Collection method: clinical testing. Allele origin: germline. Not counted in ClinVar's aggregate classification.

Ambry Genetics
Classification: Likely benign for Primary ciliary dyskinesia. Last evaluated: 2015-09-08. Review status: criteria provided, single submitter. Criteria: Ambry Variant Classification Scheme 2023. Collection method: clinical testing. Allele origin: germline. Not counted in ClinVar's aggregate classification.

Clinical Genetics DNA and cytogenetics Diagnostics Lab, Erasmus MC, Erasmus Medical Center
Classification: Likely benign. Review status: no assertion criteria provided. Collection method: clinical testing. Allele origin: germline. Affected: yes. Study: VKGL Data-share Consensus. Not counted in ClinVar's aggregate classification.

Clinical Genetics, Academic Medical Center
Classification: Benign. Review status: no assertion criteria provided. Collection method: clinical testing. Allele origin: germline. Affected: yes. Study: VKGL Data-share Consensus. Not counted in ClinVar's aggregate classification.